The following is an entry in ClinVar:

NM_000179.3(MSH6):c.3173-4A>C

Gene: MSH6 (mutS homolog 6; plus strand). Cytogenetic location: 2p16.3.
Variant type: single nucleotide variant.
Coding change: c.3173-4A>C on transcript NM_000179.3 (MANE Select); 4 bases into the intron before coding-DNA position 3173, A replaced by C.
Molecular consequence: intron variant.
Genome position (GRCh38, 1-based): chr2:47,803,416, A>C. VCF-style: chr2-47803416-A-C. GRCh37 (hg19) VCF-style: chr2-48030555-A-C.
Other names: c.2267-4A>C (NM_001281493.2, NM_001281494.2); c.2783-4A>C (NM_001281492.2).
Identifiers: ClinVar variation 483884 (VCV000483884.20), dbSNP rs1437555847, ClinGen allele CA658655682.

ClinVar aggregate classification (germline): Conflicting classifications of pathogenicity. Review status: criteria provided, conflicting classifications (1 of 4 stars). 4 submissions from 4 submitters: Uncertain significance (1); Likely benign (3). Last evaluated 2025-05-04.

Conditions:
Hereditary nonpolyposis colorectal neoplasms. Identifiers: MedGen C0009405, MeSH D003123.
Lynch syndrome 5 (LYNCH5). Also called: Colorectal cancer, hereditary nonpolyposis, type 5; Hereditary non-polyposis colorectal cancer, type 5. Identifiers: Orphanet 144, MedGen C1833477, MONDO:0013710, OMIM 614350. Disease mechanism: loss of function.
Hereditary cancer-predisposing syndrome. Also called: Neoplastic Syndromes, Hereditary; Tumor predisposition; Hereditary Cancer Syndrome; Hereditary neoplastic syndrome. Identifiers: Orphanet 140162, MedGen C0027672, MeSH D009386, MONDO:0015356.

Allele frequency attached by ClinVar (database versions not stated): gnomAD exomes below 0.00001.
gnomAD v4.1: 5 of 1,614,134 alleles (0.00031%); highest among the groups gnomAD compares: Non-Finnish European, 0.00042%; no homozygotes.

Submissions (4):

Labcorp Genetics (formerly Invitae), Labcorp
Classification: Likely benign for Hereditary nonpolyposis colorectal neoplasms. Last evaluated: 2025-05-04. Review status: criteria provided, single submitter. Criteria: Invitae Variant Classification Sherloc (09022015). Collection method: clinical testing. Allele origin: germline.

Myriad Genetics, Inc.
Classification: Likely benign for Lynch syndrome 5. Last evaluated: 2025-01-03. Review status: criteria provided, single submitter. Criteria: Myriad Autosomal Dominant, Autosomal Recessive and X-Linked Classification Criteria (2023). Collection method: clinical testing. Allele origin: unknown.
Comment: This variant is considered likely benign. This variant is intronic and is not expected to impact mRNA splicing.

Ambry Genetics
Classification: Likely benign for Hereditary cancer-predisposing syndrome. Last evaluated: 2021-09-02. Review status: criteria provided, single submitter. Criteria: Ambry Variant Classification Scheme 2023. Collection method: clinical testing. Allele origin: germline.

Color Diagnostics, LLC DBA Color Health
Classification: Uncertain significance for Hereditary cancer-predisposing syndrome. Last evaluated: 2019-09-30. Review status: criteria provided, single submitter. Criteria: ACMG Guidelines, 2015. Collection method: clinical testing. Allele origin: germline.
Comment: This variant causes an A>C nucleotide substitution at the -4 position of intron 4 of the MSH6 gene. To our knowledge, functional studies have not been performed for this variant. This variant has not been reported in individuals affected with hereditary cancer in the literature. This variant has not been identified in the general population by the Genome Aggregation Database (gnomAD). The available evidence is insufficient to determine the role of this variant in disease conclusively. Therefore, this variant is classified as a Variant of Uncertain Significance.